The following is an entry in ClinVar:

ClinVar aggregate classification (germline): Likely benign (0 of 4 stars; one submission).

Conditions:
MAN1B1-related disorder. Also called: MAN1B1-related condition; MAN1B1-related disorders.

gnomAD v4.1: 40 of 1,611,712 alleles (0.0025%); highest among the groups gnomAD compares: Non-Finnish European, 0.0031%; no homozygotes.

Submission:

PreventionGenetics, part of Exact Sciences
Classification: Likely benign for MAN1B1-related condition. Last evaluated: 2019-07-31. Review status: no assertion criteria provided. Collection method: clinical testing. Allele origin: germline.
Comment: This variant is classified as likely benign based on ACMG/AMP sequence variant interpretation guidelines (Richards et al. 2015 PMID: 25741868, with internal and published modifications).

NM_016219.5(MAN1B1):c.1255-4G>T

Gene: MAN1B1 (mannosidase alpha class 1B member 1; plus strand). Cytogenetic location: 9q34.3.
Variant type: single nucleotide variant.
Coding change: c.1255-4G>T on transcript NM_016219.5 (MANE Select); 4 bases into the intron before coding-DNA position 1255, G replaced by T.
Molecular consequence: intron variant.
Genome position (GRCh38, 1-based): chr9:137,106,121, G>T. VCF-style: chr9-137106121-G-T. GRCh37 (hg19) VCF-style: chr9-140000573-G-T.
Identifiers: ClinVar variation 3034572 (VCV003034572.2), dbSNP rs201918928, ClinGen allele CA5359162.